The following is an entry in ClinVar:

ClinVar aggregate classification (germline): Uncertain significance. Review status: criteria provided, multiple submitters, no conflicts (2 of 4 stars). 4 submissions from 4 submitters: Uncertain significance (4). Last evaluated 2025-06-20.

Conditions:
Hereditary cancer-predisposing syndrome. Also called: Hereditary neoplastic syndrome; Neoplastic Syndromes, Hereditary; Tumor predisposition; Hereditary Cancer Syndrome. Identifiers: Orphanet 140162, MedGen C0027672, MeSH D009386, MONDO:0015356.
Tuberous sclerosis syndrome (TSC). Also called: Tuberous sclerosis; Tuberous Sclerosis Complex. Identifiers: Orphanet 805, MedGen C0041341, MONDO:0001734.
Tuberous sclerosis 1 (TSC1). Identifiers: Orphanet 805, MedGen C1854465, MONDO:0008612, OMIM 191100.

Allele frequency attached by ClinVar (database versions not stated): gnomAD exomes below 0.00001; TOPMed 0.00001.
gnomAD v4.1: 2 of 1,614,138 alleles (0.00012%); highest among the groups gnomAD compares: East Asian, 0.0022%; no homozygotes.

Submissions (4):

Labcorp Genetics (formerly Invitae), Labcorp
Classification: Uncertain significance for Tuberous sclerosis 1. Last evaluated: 2025-06-20. Review status: criteria provided, single submitter. Criteria: Invitae Variant Classification Sherloc (09022015). Collection method: clinical testing. Allele origin: germline.
Comment: This sequence change creates a premature translational stop signal (p.Arg1093*) in the TSC1 gene. While this is not anticipated to result in nonsense mediated decay, it is expected to disrupt the last 72 amino acid(s) of the TSC1 protein. This variant is not present in population databases (gnomAD no frequency). This variant has not been reported in the literature in individuals affected with TSC1-related conditions. ClinVar contains an entry for this variant (Variation ID: 1036860). Experimental studies and prediction algorithms are not available or were not evaluated, and the functional significance of this variant is currently unknown. In summary, the available evidence is currently insufficient to determine the role of this variant in disease. Therefore, it has been classified as a Variant of Uncertain Significance.

All of Us Research Program, National Institutes of Health
Classification: Uncertain significance for Tuberous sclerosis syndrome. Last evaluated: 2024-09-23. Review status: criteria provided, single submitter. Criteria: ACMG Guidelines, 2015. Collection method: clinical testing. Allele origin: germline. Inheritance: Autosomal dominant inheritance. Observed: 1 variant allele, 1 heterozygote.
Comment: This study involves interpretation of variants in research participants for the purpose of population health screening. Participant phenotype was not available at the time of variant classification. Additional details can be found in publication PMID: 35346344, PMCID: PMC8962531

Blueprint Genetics
Classification: Uncertain significance. Last evaluated: 2023-11-20. Review status: criteria provided, single submitter. Criteria: ACMG Guidelines, 2015. Collection method: clinical testing. Allele origin: germline.

Ambry Genetics
Classification: Uncertain significance for Hereditary cancer-predisposing syndrome. Last evaluated: 2023-02-22. Review status: criteria provided, single submitter. Criteria: Ambry Variant Classification Scheme 2023. Collection method: clinical testing. Allele origin: germline.
Comment: The p.R1093* variant (also known as c.3277C>T), located in coding exon 21 of the TSC1 gene, results from a C to T substitution at nucleotide position 3277. This changes the amino acid from an arginine to a stop codon within coding exon 21. This alteration occurs at the 3' terminus of theTSC1 gene, is not expected to trigger nonsense-mediated mRNAdecay, and only impacts the last 6.2% of the protein. The exact functional effect of this alteration is unknown. Since supporting evidence is limited at this time, the clinical significance of this alteration remains unclear.

NM_000368.5(TSC1):c.3277C>T (p.Arg1093Ter)

Gene: TSC1 (TSC complex subunit 1; minus strand). Cytogenetic location: 9q34.13.
Variant type: single nucleotide variant.
Coding change: c.3277C>T on transcript NM_000368.5 (MANE Select); coding-DNA position 3277, C replaced by T.
Protein change: p.Arg1093Ter; replaces arginine 1093 with a stop codon.
Molecular consequence: nonsense.
Genome position (GRCh38, 1-based): chr9:132,896,453, G>A on the plus strand (C>T on the coding strand, the complement: TSC1 is on the minus strand). VCF-style: chr9-132896453-G-A. GRCh37 (hg19) VCF-style: chr9-135771840-G-A.
Other names: c.3277C>T (NM_000368.4); c.3274C>T, p.Arg1092Ter (NM_001162426.2); c.3124C>T, p.Arg1042Ter (NM_001162427.2); c.2914C>T, p.Arg972Ter (NM_001362177.2); short protein forms R1042*, R1092*, R1093*, R972*.
Identifiers: ClinVar variation 1036860 (VCV001036860.10), dbSNP rs1431256375, ClinGen allele CA375366755.